The following is an entry in ClinVar:

ClinVar aggregate classification (germline): Conflicting classifications of pathogenicity. Review status: criteria provided, conflicting classifications (1 of 4 stars). 14 submissions from 14 submitters: Uncertain significance (5); Benign (1); Likely benign (4). 4 of the submissions do not count toward it. Last evaluated 2026-05-01.

Conditions:
COL6A3-related disorder. Also called: COL6A3-related condition; COL6A3-related disorders.
Collagen 6-related myopathy. Identifiers: MedGen CN117976, MONDO:0100225.
Bethlem myopathy 1A. Also called: MYOPATHY, BENIGN CONGENITAL, WITH CONTRACTURES; Bethlem myopathy 1; Bethlem Muscular Dystrophy. Identifiers: Orphanet 610, MedGen CN029274, MONDO:0024530, OMIM 158810.
Tip-toe gait. Also called: Toe walking. Identifiers: MedGen C0427144, HP:0030051.

Allele frequency attached by ClinVar (database versions not stated): 1000 Genomes Project 30x 0.00016; 1000 Genomes Project 0.00020; ExAC 0.00096; gnomAD exomes 0.00098 and 0.00146; TOPMed 0.00099; gnomAD 0.00102 and 0.00110; ESP Exome Variant Server 0.00131.
gnomAD v4.1: 2,248 of 1,614,142 alleles (0.14%); highest among the groups gnomAD compares: Non-Finnish European, 0.18%; 3 homozygotes.

Submissions (14):

CeGaT Center for Human Genetics Tuebingen
Classification: Likely benign. Last evaluated: 2026-05-01. Review status: criteria provided, single submitter. Criteria: CeGaT Center For Human Genetics Tuebingen Variant Classification Criteria Version 2. Collection method: clinical testing. Allele origin: germline. Affected: yes. Observed: 5 variant alleles.
Comment: COL6A3: BS2

Labcorp Genetics (formerly Invitae), Labcorp
Classification: Likely benign for Bethlem myopathy 1A. Last evaluated: 2026-01-21. Review status: criteria provided, single submitter. Criteria: Invitae Variant Classification Sherloc (09022015). Collection method: clinical testing. Allele origin: germline.

PreventionGenetics, part of Exact Sciences
Classification: Likely benign for COL6A3-related condition. Last evaluated: 2025-05-22. Review status: criteria provided, single submitter. Criteria: ACMG Guidelines, 2015. Collection method: clinical testing. Allele origin: germline.
Comment: This variant is classified as likely benign based on ACMG/AMP sequence variant interpretation guidelines (Richards et al. 2015 PMID: 25741868, with internal and published modifications).

GeneDx
Classification: Uncertain significance. Last evaluated: 2025-02-03. Review status: criteria provided, single submitter. Criteria: GeneDx Variant Classification Process June 2021. Collection method: clinical testing. Allele origin: germline. Affected: yes.
Comment: Reported as a variant of uncertain significance in multiple patients with limb-girdle muscular dystrophy (PMID: 30564623); In silico analysis supports that this missense variant has a deleterious effect on protein structure/function; This variant is associated with the following publications: (PMID: 37091313, 25356899, 30564623)

Women's Health and Genetics/Laboratory Corporation of America, LabCorp
Classification: Uncertain significance. Last evaluated: 2024-03-26. Review status: criteria provided, single submitter. Criteria: LabCorp Variant Classification Summary - May 2015. Collection method: clinical testing. Allele origin: germline.
Comment: Variant summary: COL6A3 c.8189C>A (p.Ala2730Asp) results in a non-conservative amino acid change located in the von Willebrand factor, type A domain (IPR002035) of the encoded protein sequence. Five of five in-silico tools predict a damaging effect of the variant on protein function. The variant allele was found at a frequency of 0.0014 in 1614142 control chromosomes in the gnomAD database, including 3 homozygotes. c.8189C>A has been reported in the literature as a VUS in settings of multigene panel testing on a cohort of individuals with clinically suspected of limb girdle muscular dystrophy (e.g., Nallamilli_2018). However, these report(s) do not provide unequivocal conclusions about association of the variant with Ullrich Congenital Muscular Dystrophy 1C/Bethlem myopathy or Dystonia 27 in the spectrum of COL6A3-related disorder spectrum. To our knowledge, no experimental evidence demonstrating an impact on protein function has been reported. The following publication has been ascertained in the context of this evaluation (PMID: 30564623). ClinVar contains an entry for this variant (Variation ID: 197034). Based on the evidence outlined above, the variant was classified as VUS-possibly benign.

Athena Diagnostics
Classification: Likely benign. Last evaluated: 2021-03-02. Review status: criteria provided, single submitter. Criteria: Athena Diagnostics criteria. Collection method: clinical testing. Allele origin: unknown.

Mayo Clinic Laboratories, Mayo Clinic
Classification: Uncertain significance. Last evaluated: 2019-06-10. Review status: criteria provided, single submitter. Criteria: ACMG Guidelines, 2015. Collection method: clinical testing. Allele origin: germline. Observed: 6 variant alleles.

Eurofins Ntd Llc (ga)
Classification: Uncertain significance. Last evaluated: 2018-08-29. Review status: criteria provided, single submitter. Criteria: EGL ClinVar v180209 classification definitions. Collection method: clinical testing. Allele origin: germline. Observed: 24 variant alleles, 24 heterozygotes.

Illumina Laboratory Services, Illumina
Classification: Benign for Collagen VI-related myopathy. Last evaluated: 2018-01-13. Review status: criteria provided, single submitter. Criteria: ICSL Variant Classification Criteria 13 December 2019. Collection method: clinical testing. Allele origin: germline.
Comment: This variant was observed in the ICSL laboratory as part of a predisposition screen in an ostensibly healthy population. It had not been previously curated by ICSL or reported in the Human Gene Mutation Database (HGMD: prior to June 1st, 2018), and was therefore a candidate for classification through an automated scoring system. Utilizing variant allele frequency, disease prevalence and penetrance estimates, and inheritance mode, an automated score was calculated to assess if this variant is too frequent to cause the disease. Based on the score and internal cut-off values, a variant classified as benign is not then subjected to further curation. The score for this variant resulted in a classification of benign for this disease.

Center for Pediatric Genomic Medicine, Children's Mercy Hospital and Clinics
Classification: Uncertain significance. Last evaluated: 2015-12-23. Review status: criteria provided, single submitter. Criteria: ACMG Guidelines, 2015. Collection method: clinical testing. Allele origin: germline.
ClinVar note: Converted during submission from Uncertain Significance to Uncertain significance.

Practice for Gait Abnormalities, David Pomarino, Competency Network Toe Walking C/o Practice Pomarino
Classification: Likely pathogenic for Tip-toe gait. Last evaluated: 2021-09-08. Review status: no assertion criteria provided. Collection method: clinical testing. Allele origin: germline. Affected: yes. Not counted in ClinVar's aggregate classification.
Comment: Myopathy refers to diseases that affect skeletal Muscles. These diseases attack muscle fibers, making muscles weak. Inherited myopathies are often caused by inheriting an abnormal gene mutation from a parent that causes the disease. Symptoms of congenital myopathies usually start at birth or in early childhood, but may not appear until the teen years or even later in adulthood. Congenital myopathies are somewhat unique compared with other inherited myopathies, as weakness typically affects all muscles and is often not progressive. Symptoms are: Muscle weakness, most commonly of upper arms and shoulders and thighs, muscle cramps, stiffness and spasms, fatigue with exertion and lack of energy. Our patients all walk on tiptoe, so they show similar symptoms. When we genetically test them with our toe walking panel, we find that around 90 per cent of them have a genetic variant that explains their toe walking. These can be assigned, for example, to the area of myopathies (such as variants of the COL6A3 gene), the area of hereditary neuropathies (such as variants of the KMT2C gene) or the area of metabolic diseases (such as variants of the PYGM gene). In a smaller group of patients with almost identical symptoms, no abnormality is found in the genes of our panel, but spastic paraplegia can be detected. In another small group of our toe walkers, no abnormalities can be detected in the genes analysed in our toe walking panel, nor do they suffer from spastic paraplegia, as is also the case with healthy children. In contrast to these, however, they show a tiptoe gait. These patients suffer from infantile cerebral palsy, in which toe walking can also be observed.

Clinical Genetics DNA and cytogenetics Diagnostics Lab, Erasmus MC, Erasmus Medical Center
Classification: Uncertain significance. Review status: no assertion criteria provided. Collection method: clinical testing. Allele origin: germline. Affected: yes. Study: VKGL Data-share Consensus. Not counted in ClinVar's aggregate classification.

Genome Diagnostics Laboratory, Amsterdam University Medical Center
Classification: Uncertain significance. Review status: no assertion criteria provided. Collection method: clinical testing. Allele origin: germline. Affected: yes. Study: VKGL Data-share Consensus. Not counted in ClinVar's aggregate classification.

Laboratory of Diagnostic Genome Analysis, Leiden University Medical Center (LUMC)
Classification: Uncertain significance. Review status: no assertion criteria provided. Collection method: clinical testing. Allele origin: germline. Affected: yes. Study: VKGL Data-share Consensus. Not counted in ClinVar's aggregate classification.

Literature cited by the submitters: PubMed 30564623 (cited by Women's Health and Genetics/Laboratory Corporation of America, LabCorp); PubMed 37091313 (cited by Practice for Gait Abnormalities, David Pomarino, Competency Network Toe Walking C/o Practice Pomarino).

NM_004369.4(COL6A3):c.8189C>A (p.Ala2730Asp)

Gene: COL6A3 (collagen type VI alpha 3 chain; minus strand). Cytogenetic location: 2q37.3.
Variant type: single nucleotide variant.
Coding change: c.8189C>A on transcript NM_004369.4 (MANE Select); coding-DNA position 8189, C replaced by A.
Protein change: p.Ala2730Asp; replaces alanine 2730 with aspartic acid.
Molecular consequence: missense variant.
Genome position (GRCh38, 1-based): chr2:237,340,727, G>T on the plus strand (C>A on the coding strand, the complement: COL6A3 is on the minus strand). VCF-style: chr2-237340727-G-T. GRCh37 (hg19) VCF-style: chr2-238249370-G-T.
Other names: c.6368C>A, p.Ala2123Asp (NM_057166.5); c.7571C>A, p.Ala2524Asp (NM_057167.4); short protein forms A2730D, A2524D, A2123D.
Identifiers: ClinVar variation 197034 (VCV000197034.70), dbSNP rs138466455, ClinGen allele CA244931.
Genomic context (GRCh38, chr2:237,340,727, plus strand): 5'-TGCTCCGGCACCTCGCCCGTCAGCATCAGGACCACAATTTTCAGGTCCCGTGGGTTTGGG[G>T]CACTTTCAAAGACATTCTCTATGGTGTATTCAATGGCACTGCCTAAGGCCCTGGTTCCCT-3'
Protein context (NP_004360.2, residues 2720-2740): EYTIENVFES[Ala2730Asp]PNPRDLKIVV